The following is an entry in ClinVar:

NM_000051.4(ATM):c.5335del (p.Arg1779fs)

Gene: ATM (ATM serine/threonine kinase; plus strand). Cytogenetic location: 11q22.3.
Variant type: Deletion.
Coding change: c.5335del on transcript NM_000051.4 (MANE Select); coding-DNA position 5335, one base deleted (A; older notation c.5335delA).
Protein change: p.Arg1779fs; shifts the reading frame from arginine 1779.
Molecular consequence: frameshift variant.
Genome position (GRCh38, 1-based): chr11:108,302,868, A deleted. VCF-style (leftmost placement, unchanged base first): chr11-108302867-CA-C. GRCh37 (hg19) VCF-style: chr11-108173594-CA-C.
Other names: c.5335del, p.Arg1779fs (NM_001351834.2); short protein forms R1779fs.
Identifiers: ClinVar variation 2583808 (VCV002583808.2), dbSNP rs2546978922, ClinGen allele CA2582342482.

ClinVar aggregate classification (germline): Pathogenic (1 of 4 stars; one submission).

Conditions:
Familial cancer of breast. Also called: BREAST CANCER, FAMILIAL; hereditary breast carcinoma; Hereditary breast cancer. Identifiers: Orphanet 227535, MedGen C0346153, MONDO:0016419, OMIM 114480. Disease mechanism: loss of function.

Submission:

Myriad Genetics, Inc.
Classification: Pathogenic for Familial cancer of breast. Last evaluated: 2023-05-02. Review status: criteria provided, single submitter. Criteria: Myriad Autosomal Dominant, Autosomal Recessive and X-Linked Classification Criteria (2023). Collection method: clinical testing. Allele origin: unknown.
Comment: This variant is considered pathogenic. This variant creates a frameshift predicted to result in premature protein truncation.